The following is an entry in ClinVar:

NM_014862.4(ARNT2):c.495C>G (p.Asp165Glu)

Gene: ARNT2 (aryl hydrocarbon receptor nuclear translocator 2; plus strand). Cytogenetic location: 15q25.1.
Variant type: single nucleotide variant.
Coding change: c.495C>G on transcript NM_014862.4 (MANE Select); coding-DNA position 495, C replaced by G.
Protein change: p.Asp165Glu; replaces aspartic acid 165 with glutamic acid.
Molecular consequence: missense variant.
Genome position (GRCh38, 1-based): chr15:80,475,096, C>G. VCF-style: chr15-80475096-C-G. GRCh37 (hg19) VCF-style: chr15-80767437-C-G.
Other names: short protein forms D165E.
Identifiers: ClinVar variation 1929804 (VCV001929804.5), dbSNP rs768779815, ClinGen allele CA7691718.
Genomic context (GRCh38, chr15:80,475,096, plus strand): 5'-AGCTGATGGATTTCTGTTTGTGGTGGCTGCTGAGACAGGGCGAGTGATTTATGTGTCTGA[C>G]TCCGTCACCCCTGTTCTGAACCAGCCCCAGTCAGAGTGGTTTGGGAGCACACTGTATGAA-3'
Protein context (NP_055677.3, residues 155-175): AETGRVIYVS[Asp165Glu]SVTPVLNQPQ

ClinVar aggregate classification (germline): Uncertain significance (1 of 4 stars; one submission).

Allele frequency attached by ClinVar (database versions not stated): TOPMed below 0.00001; ExAC 0.00001; gnomAD 0.00001.
gnomAD v4.1: 11 of 1,614,082 alleles (0.00068%); highest among the groups gnomAD compares: Non-Finnish European, 0.00085%; no homozygotes.

Submission:

Labcorp Genetics (formerly Invitae), Labcorp
Classification: Uncertain significance. Last evaluated: 2022-03-17. Review status: criteria provided, single submitter. Criteria: Invitae Variant Classification Sherloc (09022015). Collection method: clinical testing. Allele origin: germline.
Comment: This variant is present in population databases (rs768779815, gnomAD 0.002%). This sequence change replaces aspartic acid, which is acidic and polar, with glutamic acid, which is acidic and polar, at codon 165 of the ARNT2 protein (p.Asp165Glu). This variant has not been reported in the literature in individuals affected with ARNT2-related conditions. In summary, the available evidence is currently insufficient to determine the role of this variant in disease. Therefore, it has been classified as a Variant of Uncertain Significance. Algorithms developed to predict the effect of missense changes on protein structure and function are either unavailable or do not agree on the potential impact of this missense change (SIFT: "Deleterious"; PolyPhen-2: "Benign"; Align-GVGD: "Class C0").